The following is an entry in ClinVar:

ClinVar aggregate classification (germline): Uncertain significance (1 of 4 stars; one submission).

Conditions:
Cardiovascular phenotype. Identifiers: MedGen CN230736.

gnomAD v4.1: 44 of 1,613,914 alleles (0.0027%); highest among the groups gnomAD compares: Non-Finnish European, 0.0036%; no homozygotes.

Submission:

Ambry Genetics
Classification: Uncertain significance for Cardiovascular phenotype. Last evaluated: 2025-01-31. Review status: criteria provided, single submitter. Criteria: Ambry Variant Classification Scheme 2023. Collection method: clinical testing. Allele origin: germline.
Comment: The p.D532V variant (also known as c.1595A>T), located in coding exon 8 of the AKAP9 gene, results from an A to T substitution at nucleotide position 1595. The aspartic acid at codon 532 is replaced by valine, an amino acid with highly dissimilar properties. This amino acid position is conserved. In addition, the in silico prediction for this alteration is inconclusive. Based on the available evidence, the clinical significance of this variant remains unclear.

NM_005751.5(AKAP9):c.1595A>T (p.Asp532Val)

Gene: AKAP9 (A-kinase anchoring protein 9; plus strand). Cytogenetic location: 7q21.2.
Variant type: single nucleotide variant.
Coding change: c.1595A>T on transcript NM_005751.5 (MANE Select); coding-DNA position 1595, A replaced by T.
Protein change: p.Asp532Val; replaces aspartic acid 532 with valine.
Molecular consequence: missense variant.
Genome position (GRCh38, 1-based): chr7:92,001,512, A>T. VCF-style: chr7-92001512-A-T. GRCh37 (hg19) VCF-style: chr7-91630826-A-T.
Other names: c.1595A>T, p.Asp532Val (NM_147185.3); short protein forms D532V.
Identifiers: ClinVar variation 3849009 (VCV003849009.1).